The following is an entry in ClinVar:

ClinVar aggregate classification (germline): Uncertain significance. Review status: criteria provided, multiple submitters, no conflicts (2 of 4 stars). 2 submissions from 2 submitters: Uncertain significance (2). Last evaluated 2022-08-24.

Conditions:
Inborn genetic diseases. Identifiers: MedGen C0950123, MeSH D030342.

Allele frequency attached by ClinVar (database versions not stated): gnomAD 0.00001; TOPMed 0.00001.
gnomAD v4.1: 14 of 1,613,900 alleles (0.00087%); highest among the groups gnomAD compares: South Asian, 0.0044%; no homozygotes.

Submissions (2):

Labcorp Genetics (formerly Invitae), Labcorp
Classification: Uncertain significance. Last evaluated: 2022-08-24. Review status: criteria provided, single submitter. Criteria: Invitae Variant Classification Sherloc (09022015). Collection method: clinical testing. Allele origin: germline.
Comment: This sequence change replaces proline, which is neutral and non-polar, with leucine, which is neutral and non-polar, at codon 295 of the RUNX2 protein (p.Pro295Leu). This variant is present in population databases (no rsID available, gnomAD 0.0009%). This variant has not been reported in the literature in individuals affected with RUNX2-related conditions. Algorithms developed to predict the effect of missense changes on protein structure and function (SIFT, PolyPhen-2, Align-GVGD) all suggest that this variant is likely to be disruptive. In summary, the available evidence is currently insufficient to determine the role of this variant in disease. Therefore, it has been classified as a Variant of Uncertain Significance.

Ambry Genetics
Classification: Uncertain significance for Inborn genetic diseases. Last evaluated: 2022-05-18. Review status: criteria provided, single submitter. Criteria: Ambry Variant Classification Scheme 2023. Collection method: clinical testing. Allele origin: germline.

NM_001024630.4(RUNX2):c.884C>T (p.Pro295Leu)

Gene: RUNX2 (RUNX family transcription factor 2; plus strand). Cytogenetic location: 6p21.1.
Variant type: single nucleotide variant.
Coding change: c.884C>T on transcript NM_001024630.4 (MANE Select); coding-DNA position 884, C replaced by T.
Protein change: p.Pro295Leu; replaces proline 295 with leucine.
Molecular consequence: missense variant.
Genome position (GRCh38, 1-based): chr6:45,512,270, C>T. VCF-style: chr6-45512270-C-T. GRCh37 (hg19) VCF-style: chr6-45480007-C-T.
Other names: c.884C>T, p.Pro295Leu (NM_001015051.4); c.842C>T, p.Pro281Leu (NM_001278478.2, NM_001369405.1, NM_004348.3); c.884C>T (NM_001024630.3); short protein forms P295L, P281L.
Identifiers: ClinVar variation 2194306 (VCV002194306.5), dbSNP rs763466386, ClinGen allele CA363955877.